The following is an entry in ClinVar:

NM_024422.6(DSC2):c.2516A>G (p.Tyr839Cys)

Gene: DSC2 (desmocollin 2; minus strand). Cytogenetic location: 18q12.1.
Variant type: single nucleotide variant.
Coding change: c.2516A>G on transcript NM_024422.6 (MANE Select); coding-DNA position 2516, A replaced by G.
Protein change: p.Tyr839Cys; replaces tyrosine 839 with cysteine.
Molecular consequence: missense variant. On other transcripts: 3 prime UTR variant (1).
Genome position (GRCh38, 1-based): chr18:31,068,205, T>C on the plus strand (A>G on the coding strand, the complement: DSC2 is on the minus strand). VCF-style: chr18-31068205-T-C. GRCh37 (hg19) VCF-style: chr18-28648171-T-C.
Other names: c.*18A>G (NM_004949.5); short protein forms Y839C.
Identifiers: ClinVar variation 1174704 (VCV001174704.19), dbSNP rs2144781456, ClinGen allele CA402110937.

ClinVar aggregate classification (germline): Uncertain significance. Review status: criteria provided, multiple submitters, no conflicts (2 of 4 stars). 9 submissions from 9 submitters: Uncertain significance (6). 3 of the submissions do not count toward it. Last evaluated 2025-08-01.

Conditions:
Arrhythmogenic right ventricular dysplasia 11. Also called: Arrhythmogenic Right Ventricular Dysplasia/Cardiomyopathy11; Arrhythmogenic right ventricular dysplasia 11 with mild palmoplantar keratoderma and woolly hair; ARRHYTHMOGENIC RIGHT VENTRICULAR DYSPLASIA, FAMILIAL, 11. Identifiers: MedGen C1864850, MONDO:0012506, OMIM 610476.
Cardiomyopathy (CMYO). Also called: Cardiomyopathies. Identifiers: Orphanet 167848, MedGen C0878544, MONDO:0004994, HP:0001638. Inheritance: Various modes of inheritance.
Familial isolated arrhythmogenic right ventricular dysplasia. Identifiers: Orphanet 217656, MedGen C4274968, MONDO:0016342.

Allele frequency attached by ClinVar (database versions not stated): gnomAD exomes below 0.00001.
gnomAD v4.1: 2 of 1,614,118 alleles (0.00012%); highest among the groups gnomAD compares: Non-Finnish European, 0.000085%; no homozygotes.

Submissions (9):

GeneDx
Classification: Uncertain significance. Last evaluated: 2025-08-01. Review status: criteria provided, single submitter. Criteria: GeneDx Variant Classification Process June 2021. Collection method: clinical testing. Allele origin: germline. Affected: yes.
Comment: Not observed at significant frequency in large population cohorts (gnomAD); In silico analysis supports that this missense variant has a deleterious effect on protein structure/function; Has not been previously published as pathogenic or benign to our knowledge

All of Us Research Program, National Institutes of Health
Classification: Uncertain significance for Familial isolated arrhythmogenic right ventricular dysplasia. Last evaluated: 2024-03-24. Review status: criteria provided, single submitter. Criteria: ACMG Guidelines, 2015. Collection method: clinical testing. Allele origin: germline. Inheritance: Autosomal dominant inheritance. Observed: 1 variant allele, 1 heterozygote.
Comment: This missense variant replaces tyrosine with cysteine at codon 839 of the DSC2 protein. Computational prediction suggests that this variant may not impact protein structure and function (internally defined REVEL score threshold <= 0.5, PMID: 27666373). To our knowledge, functional studies have not been reported for this variant. This variant has not been reported in individuals affected with DSC2-related disorders in the literature. This variant has not been identified in the general population by the Genome Aggregation Database (gnomAD). The available evidence is insufficient to determine the role of this variant in disease conclusively. Therefore, this variant is classified as a Variant of Uncertain Significance.

This study involves interpretation of variants in research participants for the purpose of population health screening. Participant phenotype was not available at the time of variant classification. Additional details can be found in publication PMID: 35346344, PMCID: PMC8962531

Color Diagnostics, LLC DBA Color Health
Classification: Uncertain significance for Cardiomyopathy. Last evaluated: 2024-02-20. Review status: criteria provided, single submitter. Criteria: ACMG Guidelines, 2015. Collection method: clinical testing. Allele origin: germline.
Comment: This missense variant replaces tyrosine with cysteine at codon 839 of the DSC2 protein. Computational prediction suggests that this variant may not impact protein structure and function. To our knowledge, functional studies have not been reported for this variant. This variant has not been reported in individuals affected with DSC2-related disorders in the literature. This variant has not been identified in the general population by the Genome Aggregation Database (gnomAD). The available evidence is insufficient to determine the role of this variant in disease conclusively. Therefore, this variant is classified as a Variant of Uncertain Significance.

Labcorp Genetics (formerly Invitae), Labcorp
Classification: Uncertain significance for Arrhythmogenic right ventricular dysplasia 11. Last evaluated: 2024-01-08. Review status: criteria provided, single submitter. Criteria: Invitae Variant Classification Sherloc (09022015). Collection method: clinical testing. Allele origin: germline.
Comment: This sequence change replaces tyrosine, which is neutral and polar, with cysteine, which is neutral and slightly polar, at codon 839 of the DSC2 protein (p.Tyr839Cys). This variant is not present in population databases (gnomAD no frequency). This variant has not been reported in the literature in individuals affected with DSC2-related conditions. ClinVar contains an entry for this variant (Variation ID: 1174704). An algorithm developed to predict the effect of missense changes on protein structure and function (PolyPhen-2) suggests that this variant is likely to be disruptive. In summary, the available evidence is currently insufficient to determine the role of this variant in disease. Therefore, it has been classified as a Variant of Uncertain Significance.

Blueprint Genetics
Classification: Uncertain significance. Last evaluated: 2023-08-11. Review status: criteria provided, single submitter. Criteria: ACMG Guidelines, 2015. Collection method: clinical testing. Allele origin: germline.

CHEO Genetics Diagnostic Laboratory, Children's Hospital of Eastern Ontario
Classification: Uncertain significance for Cardiomyopathy. Last evaluated: 2021-04-26. Review status: criteria provided, single submitter. Criteria: ACMG Guidelines, 2015. Collection method: clinical testing. Allele origin: germline.

Clinical Genetics, Academic Medical Center
Classification: Uncertain significance. Review status: no assertion criteria provided. Collection method: clinical testing. Allele origin: germline. Affected: yes. Study: VKGL Data-share Consensus. Not counted in ClinVar's aggregate classification.

Diagnostic Laboratory, Department of Genetics, University Medical Center Groningen
Classification: Uncertain significance. Review status: no assertion criteria provided. Collection method: clinical testing. Allele origin: germline. Affected: yes. Study: VKGL Data-share Consensus. Not counted in ClinVar's aggregate classification.

Joint Genome Diagnostic Labs from Nijmegen and Maastricht, Radboudumc and MUMC+
Classification: Uncertain significance. Review status: no assertion criteria provided. Collection method: clinical testing. Allele origin: germline. Affected: yes. Study: VKGL Data-share Consensus. Not counted in ClinVar's aggregate classification.